The following is an entry in ClinVar:

NM_025081.3(NYNRIN):c.1753G>A (p.Ala585Thr)

Gene: NYNRIN (NYN domain and retroviral integrase containing; plus strand). Cytogenetic location: 14q12.
Variant type: single nucleotide variant.
Coding change: c.1753G>A on transcript NM_025081.3 (MANE Select); coding-DNA position 1753, G replaced by A.
Protein change: p.Ala585Thr; replaces alanine 585 with threonine.
Molecular consequence: missense variant.
Genome position (GRCh38, 1-based): chr14:24,409,547, G>A. VCF-style: chr14-24409547-G-A. GRCh37 (hg19) VCF-style: chr14-24878753-G-A.
Other names: short protein forms A585T.
Identifiers: ClinVar variation 4813184 (VCV004813184.1).

ClinVar aggregate classification (germline): Uncertain significance (1 of 4 stars; one submission).

Conditions:
Predisposition to Wilms tumor.

Submission:

St. Jude Molecular Pathology, St. Jude Children's Research Hospital
Classification: Uncertain significance for Predisposition to Wilms tumor. Last evaluated: 2026-02-20. Review status: criteria provided, single submitter. Criteria: St. Jude Assertion Criteria 2020. Collection method: clinical testing. Allele origin: germline.
Comment: The NYNRIN c.1753G>A p.(Ala585Thr) missense change is absent in gnomAD v2.1.1. The in sili co tool REVEL predicts a benign effect on protein function, but to our knowledge this prediction has not been confirmed by functional studies. To our knowledge, this variant has not been reported in individuals with Wilms tumor. In summary, the evidence currently available is insufficient to determine the clinical significance of this variant. It has therefore been classified as of uncertain significance.